The following is an entry in ClinVar:

NM_001017420.3(ESCO2):c.*471T>A

Gene: ESCO2 (establishment of sister chromatid cohesion N-acetyltransferase 2; plus strand). Cytogenetic location: 8p21.1.
Variant type: single nucleotide variant.
Coding change: c.*471T>A on transcript NM_001017420.3 (MANE Select); 471 bases downstream of the stop codon, T replaced by A.
Molecular consequence: 3 prime UTR variant.
Genome position (GRCh38, 1-based): chr8:27,803,909, T>A. VCF-style: chr8-27803909-T-A. GRCh37 (hg19) VCF-style: chr8-27661426-T-A.
Identifiers: ClinVar variation 362767 (VCV000362767.6), dbSNP rs201762904, ClinGen allele CA10630903.
Genomic context (GRCh38, chr8:27,803,909, plus strand): 5'-AAATTTAAACTTGGGCAAGTAATTTCTGTGCCCAATTTGTAAAGGGAATTCCTGAATTTT[T>A]TTTTTTTTTTAATAGAGGCATGGGTCTCACTGTGTTGCCCAGGCTGGTCTGAAACTTTTG-3'

ClinVar aggregate classification (germline): Benign. Review status: criteria provided, multiple submitters, no conflicts (2 of 4 stars). 2 submissions from 2 submitters: Benign (2). Last evaluated 2018-01-13.

Conditions:
Roberts-SC phocomelia syndrome (RBS). Also called: LONG BONE DEFICIENCIES ASSOCIATED WITH CLEFT LIP-PALATE; Hypomelia hypotrichosis facial hemangioma syndrome; ESCO2 Spectrum Disorder; Pseudothalidomide syndrome; Appelt-Gerken-Lenz syndrome. Identifiers: Orphanet 3103, MedGen C0392475, MONDO:0100253, OMIM 268300.

Allele frequency attached by ClinVar (database versions not stated): gnomAD exomes 0.09481; gnomAD 0.15082 and 0.15450; 1000 Genomes Project 0.21925.
gnomAD v4.1: 103,885 of 991,426 alleles (10%); highest among the groups gnomAD compares: East Asian, 35%; 5,709 homozygotes.

Submissions (2):

Illumina Laboratory Services, Illumina
Classification: Benign for Roberts-SC phocomelia syndrome. Last evaluated: 2018-01-13. Review status: criteria provided, single submitter. Criteria: ICSL Variant Classification Criteria 13 December 2019. Collection method: clinical testing. Allele origin: germline.
Comment: This variant was observed in the ICSL laboratory as part of a predisposition screen in an ostensibly healthy population. It had not been previously curated by ICSL or reported in the Human Gene Mutation Database (HGMD: prior to June 1st, 2018), and was therefore a candidate for classification through an automated scoring system. Utilizing variant allele frequency, disease prevalence and penetrance estimates, and inheritance mode, an automated score was calculated to assess if this variant is too frequent to cause the disease. Based on the score and internal cut-off values, a variant classified as benign is not then subjected to further curation. The score for this variant resulted in a classification of benign for this disease.

Breakthrough Genomics
Classification: Benign. Review status: criteria provided, single submitter. Criteria: ACMG Guidelines, 2015. Collection method: not provided. Allele origin: germline. Inheritance: Autosomal recessive inheritance. Affected: yes.